The following is an entry in ClinVar:

ClinVar aggregate classification (germline): Pathogenic (1 of 4 stars; one submission).

Conditions:
Peroxisome biogenesis disorder. Identifiers: Orphanet 79189, MedGen C1832200, MONDO:0019234. Disease mechanism: loss of function.

Submission:

Labcorp Genetics (formerly Invitae), Labcorp
Classification: Pathogenic for Peroxisome biogenesis disorder. Last evaluated: 2023-09-09. Review status: criteria provided, single submitter. Criteria: Invitae Variant Classification Sherloc (09022015). Collection method: clinical testing. Allele origin: germline.
Comment: This sequence change creates a premature translational stop signal (p.Leu561Serfs*58) in the PEX6 gene. It is expected to result in an absent or disrupted protein product. Loss-of-function variants in PEX6 are known to be pathogenic (PMID: 10408779, 21031596, 31831025). This variant is present in population databases (no rsID available, gnomAD 0.0009%). This variant has not been reported in the literature in individuals affected with PEX6-related conditions. ClinVar contains an entry for this variant (Variation ID: 1073678). For these reasons, this variant has been classified as Pathogenic.

Literature cited by the submitters: PubMed 10408779; PubMed 21031596; PubMed 31831025.

NM_000287.4(PEX6):c.1681del (p.Leu561fs)

Gene: PEX6 (peroxisomal biogenesis factor 6; minus strand). Cytogenetic location: 6p21.1.
Variant type: Deletion.
Coding change: c.1681del on transcript NM_000287.4 (MANE Select); coding-DNA position 1681, one base deleted (C; older notation c.1681delC).
Protein change: p.Leu561fs; shifts the reading frame from leucine 561.
Molecular consequence: frameshift variant. On other transcripts: non-coding transcript variant (1).
Genome position (GRCh38, 1-based): chr6:42,968,297, G deleted on the plus strand (C on the coding strand, the reverse complement: PEX6 is on the minus strand); the first of 5 consecutive G bases (chr6:42,968,297-42,968,301); deleting any one gives the same sequence. VCF-style (leftmost placement, unchanged base first): chr6-42968296-AG-A. GRCh37 (hg19) VCF-style: chr6-42936034-AG-A.
Other names: c.1417del, p.Leu473fs (NM_001316313.2); short protein forms L473fs, L561fs.
Identifiers: ClinVar variation 1073678 (VCV001073678.9), dbSNP rs1200299979, ClinGen allele CA567150137.
Genomic context (GRCh38, chr6:42,968,296, plus strand): 5'-CACCGCGCCCAGCCGGCCCCCCCAGCTTTGAGAGGCCCAGCTCTGTATAAGTACCTGTTG[AG>A]GGGGTCCTCATTGAGGAGGAGGTGACGCAGCACAGCCATCACACGGGCATCCTCACCCAG-3'